The following is an entry in ClinVar:

ClinVar aggregate classification (germline): Likely benign (1 of 4 stars; one submission).

Submission:

Molecular Diagnostic Laboratory for Inherited Cardiovascular Disease, Montreal Heart Institute
Classification: Likely benign. Last evaluated: 2026-03-27. Review status: criteria provided, single submitter. Criteria: ACMG Guidelines, 2015. Collection method: clinical testing. Allele origin: germline. Affected: no.
Comment: BP7

NM_001267550.2(TTN):c.70581A>T (p.Val23527=)

Genes: TTN (titin; minus strand), TTN-AS1 (TTN antisense RNA 1; plus strand), LOC126806422 (BRD4-independent group 4 enhancer GRCh37_chr2:179440205-179441404; plus strand). Cytogenetic location: 2q31.2.
Variant type: single nucleotide variant.
Coding change: c.70581A>T on transcript NM_001267550.2 (MANE Select); coding-DNA position 70581, A replaced by T.
Protein change: p.Val23527=; no amino-acid change (valine 23527 retained).
Molecular consequence: synonymous variant.
Genome position (GRCh38, 1-based): chr2:178,575,551, T>A on the plus strand (A>T on the coding strand, the complement: TTN is on the minus strand). VCF-style: chr2-178575551-T-A. GRCh37 (hg19) VCF-style: chr2-179440278-T-A.
Other names: c.43386A>T, p.Val14462= (NM_003319.4); c.62877A>T, p.Val20959= (NM_133378.4); c.43761A>T, p.Val14587= (NM_133432.3); c.43962A>T, p.Val14654= (NM_133437.4); c.65658A>T, p.Val21886= (NM_001256850.1).
Identifiers: ClinVar variation 4820567 (VCV004820567.1).